The following is an entry in ClinVar:

NM_000531.6(OTC):c.502C>T (p.His168Tyr)

Gene: OTC (ornithine transcarbamylase; plus strand). Cytogenetic location: Xp11.4.
Variant type: single nucleotide variant.
Coding change: c.502C>T on transcript NM_000531.6 (MANE Select); coding-DNA position 502, C replaced by T.
Protein change: p.His168Tyr; replaces histidine 168 with tyrosine.
Molecular consequence: missense variant.
Genome position (GRCh38, 1-based): chrX:38,401,390, C>T. VCF-style: chrX-38401390-C-T. GRCh37 (hg19) VCF-style: chrX-38260643-C-T.
Other names: c.502C>T, p.His168Tyr (NM_001407092.1); short protein forms H168Y.
Identifiers: ClinVar variation 3062236 (VCV003062236.2), dbSNP rs2519973556, ClinGen allele CA412723802.

ClinVar aggregate classification (germline): Likely pathogenic. Review status: criteria provided, multiple submitters, no conflicts (2 of 4 stars). 2 submissions from 2 submitters: Likely pathogenic (2). Last evaluated 2026-10-01.

Conditions:
Ornithine carbamoyltransferase deficiency (OTCD). Also called: ORNITHINE TRANSCARBAMYLASE DEFICIENCY; ORNITHINE TRANSCARBAMYLASE DEFICIENCY, HYPERAMMONEMIA DUE TO; OTC DEFICIENCY; Ornithine Carbamoyltransferase Deficiency Disease. Identifiers: Orphanet 664, MedGen C0268542, MONDO:0010703, OMIM 311250.

Submissions (2):

Laboratorio de Biologia Molecular - Genetica, Hospital de Pediatria Garrahan
Classification: Likely pathogenic for Ornithine carbamoyltransferase deficiency. Last evaluated: 2026-10-01. Review status: criteria provided, single submitter. Criteria: ACMG Guidelines, 2015. Collection method: clinical testing. Allele origin: germline. Affected: yes. Observed: 2 variant alleles.
Comment: This sequence change replaces histidine, which is basic and polar, with tyrosine, which is neutral and polar, at codon 168 of the OTC protein (p.His168Tyr). This variant is absent from gnomAD (PM2_supporting). ClinVar contains an entry for this variant (VCV003062236.1). The histidine at codon 168 is critical for the carbamoyl phosphate binding (PM1). This variant is predicted to be deleterious by computational evidence, with a REVEL score of 0.98 (PP3_strong). This variant has been detected in heterozygous state in two female patients with hyperammonemia and altered plasma amino acids profile (internal data) (PP4). Other variants that disrupt this residue have been observed in individuals with OTC-related conditions (PMID: 16786505), which suggests that this may be a clinically significant amino acid residue (PM5_supporting). For these reasons, this variant has been classified as Likely pathogenic, according to the ClinGen UCD VCEP recommendations (specification version 1.0, released 2026/02/27)

Molecular Genetics Department, Kulakov National Medical Research Center for Obstetrics, Gynecology and Perinatology
Classification: Likely pathogenic for Ornithine carbamoyltransferase deficiency. Review status: criteria provided, single submitter. Criteria: ACMG Guidelines, 2015. Collection method: clinical testing. Allele origin: germline. Affected: yes.
Comment: A previously undescribed nucleotide variant creates a missense p.His168Tyr in the OTC gene. Hemizygous variants are reported in patients with Ornithine transcarbamylase deficiency, 311250. Different missense variants at the same position were previously decsribed in patients with Ornithine transcarbamylase deficiency [Vella et al., 1997, PMID: 9266387; Tuchman et al., 1997, PMID: 9266388; Yamaguchi et al., 2006, PMID: 16786505]. Pathogenicity prediction algorithms classify it as pathogenic (SIFT: 0.0, PolyPhen: 1.0, CADD: 25).The variant is not present in population database (gnomAD no frequency). In summary, the currently available evidence indicates that the variant is pathogenic, but additional data are needed to prove that conclusively. Therefore, this variant has been classified as likely pathogenic.